The following is an entry in ClinVar:

ClinVar aggregate classification (germline): Uncertain significance (1 of 4 stars; one submission).

Conditions:
PKD1-related disorder. Also called: PKD1-related condition.

gnomAD v4.1: 1 of 1,597,922 alleles (0.000063%); highest among the groups gnomAD compares: Non-Finnish European, 0.000086%; no homozygotes.

Submission:

PreventionGenetics, part of Exact Sciences
Classification: Uncertain significance for PKD1-related condition. Last evaluated: 2025-10-03. Review status: criteria provided, single submitter. Criteria: ACMG Guidelines, 2015. Collection method: clinical testing. Allele origin: germline.
Comment: The PKD1 c.10510C>G variant is predicted to result in the amino acid substitution p.Pro3504Ala. To our knowledge, this variant has not been reported in the literature or in a large population database (gnomAD), indicating this variant is rare. At this time, the clinical significance of this variant is uncertain due to the absence of conclusive functional and genetic evidence.

NM_001009944.3(PKD1):c.10510C>G (p.Pro3504Ala)

Genes: PKD1 (polycystin 1, transient receptor potential channel interacting; minus strand), PKD1-AS1 (PKD1 antisense RNA 1; plus strand). Cytogenetic location: 16p13.3.
Variant type: single nucleotide variant.
Coding change: c.10510C>G on transcript NM_001009944.3 (MANE Select); coding-DNA position 10510, C replaced by G.
Protein change: p.Pro3504Ala; replaces proline 3504 with alanine.
Molecular consequence: missense variant.
Genome position (GRCh38, 1-based): chr16:2,094,200, G>C on the plus strand (C>G on the coding strand, the complement: PKD1 is on the minus strand). VCF-style: chr16-2094200-G-C. GRCh37 (hg19) VCF-style: chr16-2144201-G-C.
Other names: c.10507C>G, p.Pro3503Ala (NM_000296.4); short protein forms P3503A, P3504A.
Identifiers: ClinVar variation 4990619 (VCV004990619.1).